The following is an entry in ClinVar:

ClinVar aggregate classification (germline): Benign (1 of 4 stars; one submission).

Conditions:
Hereditary diffuse gastric adenocarcinoma (HDGC). Also called: DIFFUSE GASTRIC AND LOBULAR BREAST CANCER SYNDROME. Identifiers: Orphanet 26106, MedGen C1708349, MONDO:0007648, OMIM 137215.

gnomAD v4.1: 1 of 1,614,176 alleles (0.000062%); highest among the groups gnomAD compares: Non-Finnish European, 0.000085%; no homozygotes.

Submission:

Myriad Genetics, Inc.
Classification: Benign for Hereditary diffuse gastric adenocarcinoma. Last evaluated: 2024-09-23. Review status: criteria provided, single submitter. Criteria: Myriad Autosomal Dominant, Autosomal Recessive and X-Linked Classification Criteria (2023). Collection method: clinical testing. Allele origin: unknown.
Comment: This variant is considered benign. This variant is a silent/synonymous amino acid change and it is not expected to impact splicing.

NM_004360.5(CDH1):c.2340T>G (p.Pro780=)

Gene: CDH1 (cadherin 1; plus strand). Cytogenetic location: 16q22.1.
Variant type: single nucleotide variant.
Coding change: c.2340T>G on transcript NM_004360.5 (MANE Select); coding-DNA position 2340, T replaced by G.
Protein change: p.Pro780=; no amino-acid change (proline 780 retained).
Molecular consequence: synonymous variant.
Genome position (GRCh38, 1-based): chr16:68,829,698, T>G. VCF-style: chr16-68829698-T-G. GRCh37 (hg19) VCF-style: chr16-68863601-T-G.
Other names: c.2157T>G, p.Pro719= (NM_001317184.2); c.792T>G, p.Pro264= (NM_001317185.2); c.375T>G, p.Pro125= (NM_001317186.2).
Identifiers: ClinVar variation 3379148 (VCV003379148.1).